The following is an entry in ClinVar:

ClinVar aggregate classification (germline): Pathogenic (1 of 4 stars; one submission).

Submission:

Labcorp Genetics (formerly Invitae), Labcorp
Classification: Pathogenic. Last evaluated: 2020-01-30. Review status: criteria provided, single submitter. Criteria: Invitae Variant Classification Sherloc (09022015). Collection method: clinical testing. Allele origin: germline.
Comment: This sequence change creates a premature translational stop signal (p.Ile121Serfs*5) in the NPHS2 gene. It is expected to result in an absent or disrupted protein product. This variant is not present in population databases (ExAC no frequency). This variant has not been reported in the literature in individuals with NPHS2-related conditions. Loss-of-function variants in NPHS2 are known to be pathogenic (PMID: 10742096, 14701729, 15253708, 23595123). For these reasons, this variant has been classified as Pathogenic.

Literature cited by the submitters: PubMed 10742096; PubMed 14701729; PubMed 15253708; PubMed 23595123.

NM_014625.4(NPHS2):c.360del (p.Ile121fs)

Gene: NPHS2 (NPHS2 stomatin family member, podocin; minus strand). Cytogenetic location: 1q25.2.
Variant type: Deletion.
Coding change: c.360del on transcript NM_014625.4 (MANE Select); coding-DNA position 360, one base deleted (C; older notation c.360delC).
Protein change: p.Ile121fs; shifts the reading frame from isoleucine 121.
Molecular consequence: frameshift variant.
Genome position (GRCh38, 1-based): chr1:179,564,708, G deleted on the plus strand (C on the coding strand, the reverse complement: NPHS2 is on the minus strand); the first of 2 consecutive G bases (chr1:179,564,708-179,564,709); deleting either gives the same sequence. VCF-style (leftmost placement, unchanged base first): chr1-179564707-TG-T. GRCh37 (hg19) VCF-style: chr1-179533842-TG-T.
Other names: c.360del, p.Ile121fs (NM_001297575.2); short protein forms I121fs.
Identifiers: ClinVar variation 1075133 (VCV001075133.5), dbSNP rs2125790113, ClinGen allele CA2499214328.